The following is an entry in ClinVar:

ClinVar aggregate classification (germline): Uncertain significance (1 of 4 stars; one submission).

Conditions:
Autosomal recessive limb-girdle muscular dystrophy type 2P. Also called: MUSCULAR DYSTROPHY-DYSTROGLYCANOPATHY, LIMB-GIRDLE, DAG1-RELATED; Limb-Girdle Muscular Dystrophy Type 9C; MUSCULAR DYSTROPHY, LIMB-GIRDLE, TYPE 2P. Identifiers: Orphanet 280333, MedGen C4511963, MONDO:0013440, OMIM 613818.
Muscular dystrophy-dystroglycanopathy (congenital with brain and eye anomalies), type A9. Also called: WALKER-WARBURG SYNDROME OR MUSCLE-EYE BRAIN DISEASE, DAG1-RELATED; Muscular dystrophy-dystroglycanopathy (congenital with brain and eye anomalies), type a, 9. Identifiers: Orphanet 370997, Orphanet 899, MedGen C4225291, MONDO:0014683, OMIM 616538.

Submission:

Labcorp Genetics (formerly Invitae), Labcorp
Classification: Uncertain significance for Autosomal recessive limb-girdle muscular dystrophy type 2P; Muscular dystrophy-dystroglycanopathy (congenital with brain and eye anomalies), type A9. Last evaluated: 2022-03-27. Review status: criteria provided, single submitter. Criteria: Invitae Variant Classification Sherloc (09022015). Collection method: clinical testing. Allele origin: germline.
Comment: In summary, the available evidence is currently insufficient to determine the role of this variant in disease. Therefore, it has been classified as a Variant of Uncertain Significance. Algorithms developed to predict the effect of missense changes on protein structure and function (SIFT, PolyPhen-2, Align-GVGD) all suggest that this variant is likely to be tolerated. This variant has not been reported in the literature in individuals affected with DAG1-related conditions. This variant is present in population databases (no rsID available, gnomAD 0.0009%). This sequence change replaces arginine, which is basic and polar, with leucine, which is neutral and non-polar, at codon 457 of the DAG1 protein (p.Arg457Leu).

NM_004393.6(DAG1):c.1370G>T (p.Arg457Leu)

Gene: DAG1 (dystroglycan 1; plus strand). Cytogenetic location: 3p21.31.
Variant type: single nucleotide variant.
Coding change: c.1370G>T on transcript NM_004393.6 (MANE Select); coding-DNA position 1370, G replaced by T.
Protein change: p.Arg457Leu; replaces arginine 457 with leucine.
Molecular consequence: missense variant.
Genome position (GRCh38, 1-based): chr3:49,531,881, G>T. VCF-style: chr3-49531881-G-T. GRCh37 (hg19) VCF-style: chr3-49569314-G-T.
Other names: c.1370G>T, p.Arg457Leu (NM_001165928.4, NM_001177634.3, NM_001177635.3 and 9 more transcripts); short protein forms R457L.
Identifiers: ClinVar variation 2414152 (VCV002414152.7), dbSNP rs756890406, ClinGen allele CA352795252.